The following is an entry in ClinVar:

ClinVar aggregate classification (germline): Uncertain significance (1 of 4 stars; one submission).

Allele frequency attached by ClinVar (database versions not stated): ExAC 0.00001.

Submission:

GeneDx
Classification: Uncertain significance. Last evaluated: 2022-12-14. Review status: criteria provided, single submitter. Criteria: GeneDx Variant Classification Process June 2021. Collection method: clinical testing. Allele origin: germline. Affected: yes.
Comment: Not observed at significant frequency in large population cohorts (gnomAD); Missense variant in a gene in which most reported pathogenic variants are truncating/loss of function; Has not been previously published as pathogenic or benign to our knowledge

NM_001267550.2(TTN):c.91018G>T (p.Gly30340Cys)

Genes: TTN (titin; minus strand), TTN-AS1 (TTN antisense RNA 1; plus strand). Cytogenetic location: 2q31.2.
Variant type: single nucleotide variant.
Coding change: c.91018G>T on transcript NM_001267550.2 (MANE Select); coding-DNA position 91018, G replaced by T.
Protein change: p.Gly30340Cys; replaces glycine 30340 with cysteine.
Molecular consequence: missense variant.
Genome position (GRCh38, 1-based): chr2:178,551,882, C>A on the plus strand (G>T on the coding strand, the complement: TTN is on the minus strand). VCF-style: chr2-178551882-C-A. GRCh37 (hg19) VCF-style: chr2-179416609-C-A.
Other names: c.86095G>T, p.Gly28699Cys (NM_001256850.1); c.63823G>T, p.Gly21275Cys (NM_003319.4); c.83314G>T, p.Gly27772Cys (NM_133378.4); c.64198G>T, p.Gly21400Cys (NM_133432.3); c.64399G>T, p.Gly21467Cys (NM_133437.4); short protein forms G21275C, G21400C, G21467C, G27772C, G28699C, G30340C.
Identifiers: ClinVar variation 2505719 (VCV002505719.1), dbSNP rs758970884, ClinGen allele CA1987703.